The following is an entry in ClinVar:

NM_006904.7(PRKDC):c.12308A>G (p.Gln4103Arg)

Gene: PRKDC (protein kinase, DNA-activated, catalytic subunit; minus strand). Cytogenetic location: 8q11.21.
Variant type: single nucleotide variant.
Coding change: c.12308A>G on transcript NM_006904.7 (MANE Select); coding-DNA position 12308, A replaced by G.
Protein change: p.Gln4103Arg; replaces glutamine 4103 with arginine.
Molecular consequence: missense variant.
Genome position (GRCh38, 1-based): chr8:47,774,252, T>C on the plus strand (A>G on the coding strand, the complement: PRKDC is on the minus strand). VCF-style: chr8-47774252-T-C. GRCh37 (hg19) VCF-style: chr8-48686813-T-C.
Other names: c.12215A>G, p.Gln4072Arg (NM_001081640.2); short protein forms Q4103R, Q4072R.
Identifiers: ClinVar variation 1755327 (VCV001755327.2), dbSNP rs2551859138, ClinGen allele CA371126613.

ClinVar aggregate classification (germline): Uncertain significance (1 of 4 stars; one submission).

Submission:

Ambry Genetics
Classification: Uncertain significance. Last evaluated: 2021-06-11. Review status: criteria provided, single submitter. Criteria: Ambry Variant Classification Scheme 2023. Collection method: clinical testing. Allele origin: germline.
Comment: The p.Q4103R variant (also known as c.12308A>G), located in coding exon 86 of the PRKDC gene, results from an A to G substitution at nucleotide position 12308. The glutamine at codon 4103 is replaced by arginine, an amino acid with highly similar properties. This amino acid position is conserved. Since supporting evidence is limited at this time, the clinical significance of this alteration remains unclear.